The following is an entry in ClinVar:

NM_000051.4(ATM):c.1899-11C>T

Gene: ATM (ATM serine/threonine kinase; plus strand). Cytogenetic location: 11q22.3.
Variant type: single nucleotide variant.
Coding change: c.1899-11C>T on transcript NM_000051.4 (MANE Select); 11 bases into the intron before coding-DNA position 1899, C replaced by T.
Molecular consequence: intron variant.
Genome position (GRCh38, 1-based): chr11:108,253,803, C>T. VCF-style: chr11-108253803-C-T. GRCh37 (hg19) VCF-style: chr11-108124530-C-T.
Other names: c.1899-11C>T (NM_001351834.2).
Identifiers: ClinVar variation 181848 (VCV000181848.15), dbSNP rs730881282, ClinGen allele CA297985.

ClinVar aggregate classification (germline): Likely benign. Review status: criteria provided, multiple submitters, no conflicts (2 of 4 stars). 4 submissions from 4 submitters: Likely benign (4). Last evaluated 2026-01-05.

Conditions:
Hereditary cancer-predisposing syndrome. Also called: Tumor predisposition; Hereditary Cancer Syndrome; Hereditary neoplastic syndrome; Neoplastic Syndromes, Hereditary. Identifiers: Orphanet 140162, MedGen C0027672, MeSH D009386, MONDO:0015356.
Familial cancer of breast. Also called: BREAST CANCER, FAMILIAL; hereditary breast carcinoma; Hereditary breast cancer. Identifiers: Orphanet 227535, MedGen C0346153, MONDO:0016419, OMIM 114480. Disease mechanism: loss of function.
Ataxia-telangiectasia syndrome (AT). Also called: LOUIS-BAR SYNDROME; Cerebello-oculocutaneous telangiectasia; Immunodeficiency with ataxia telangiectasia; ATAXIA-TELANGIECTASIA, COMPLEMENTATION GROUP A; ATAXIA-TELANGIECTASIA, FRESNO VARIANT; Ataxia-telangiectasia. Identifiers: Orphanet 100, MedGen C0004135, MONDO:0008840, OMIM 208900.

Allele frequency attached by ClinVar (database versions not stated): TOPMed below 0.00001; gnomAD 0.00001.
gnomAD v4.1: 5 of 1,605,560 alleles (0.00031%); highest among the groups gnomAD compares: Non-Finnish European, 0.00043%; no homozygotes.

Submissions (4):

Labcorp Genetics (formerly Invitae), Labcorp
Classification: Likely benign for Ataxia-telangiectasia syndrome. Last evaluated: 2026-01-05. Review status: criteria provided, single submitter. Criteria: Invitae Variant Classification Sherloc (09022015). Collection method: clinical testing. Allele origin: germline.

Myriad Genetics, Inc.
Classification: Likely benign for Familial cancer of breast. Last evaluated: 2024-05-02. Review status: criteria provided, single submitter. Criteria: Myriad Autosomal Dominant, Autosomal Recessive and X-Linked Classification Criteria (2023). Collection method: clinical testing. Allele origin: unknown.
Comment: This variant is considered likely benign. This variant is intronic and is not expected to impact mRNA splicing.

GeneDx
Classification: Likely benign. Last evaluated: 2019-05-30. Review status: criteria provided, single submitter. Criteria: GeneDx Variant Classification Process June 2021. Collection method: clinical testing. Allele origin: germline. Affected: yes.
Comment: Not observed in large population cohorts (Lek et al., 2016); Has not been previously published as pathogenic or benign to our knowledge; In-silico analysis, which includes splice predictors and evolutionary conservation, is inconclusive as to whether the variant alters gene splicing. In the absence of RNA/functional studies, the actual effect of this sequence change is unknown.

Color Diagnostics, LLC DBA Color Health
Classification: Likely benign for Hereditary cancer-predisposing syndrome. Last evaluated: 2019-05-15. Review status: criteria provided, single submitter. Criteria: ACMG Guidelines, 2015. Collection method: clinical testing. Allele origin: germline.